The following is an entry in ClinVar:

NM_001378452.1(ITPR1):c.2724C>G (p.Ser908Arg)

Gene: ITPR1 (inositol 1,4,5-trisphosphate receptor type 1; plus strand). Cytogenetic location: 3p26.1.
Variant type: single nucleotide variant.
Coding change: c.2724C>G on transcript NM_001378452.1 (MANE Select); coding-DNA position 2724, C replaced by G.
Protein change: p.Ser908Arg; replaces serine 908 with arginine.
Molecular consequence: missense variant.
Genome position (GRCh38, 1-based): chr3:4,675,193, C>G. VCF-style: chr3-4675193-C-G. GRCh37 (hg19) VCF-style: chr3-4716877-C-G.
Other names: c.2724C>G, p.Ser908Arg (NM_001099952.4); c.2679C>G, p.Ser893Arg (NM_001168272.2, NM_002222.7); c.2679C>G (NM_002222.5); short protein forms S908R, S893R.
Identifiers: ClinVar variation 2053318 (VCV002053318.5), dbSNP rs376692603, ClinGen allele CA68822571.

ClinVar aggregate classification (germline): Uncertain significance. Review status: criteria provided, multiple submitters, no conflicts (2 of 4 stars). 2 submissions from 2 submitters: Uncertain significance (2). Last evaluated 2025-09-04.

Conditions:
Inborn genetic diseases. Identifiers: MedGen C0950123, MeSH D030342.

Allele frequency attached by ClinVar (database versions not stated): gnomAD 0.00001; ESP Exome Variant Server 0.00008; gnomAD exomes below 0.00001; TOPMed below 0.00001.
gnomAD v4.1: 7 of 1,612,242 alleles (0.00043%); highest among the groups gnomAD compares: Non-Finnish European, 0.00059%; no homozygotes.

Submissions (2):

Ambry Genetics
Classification: Uncertain significance for Inborn genetic diseases. Last evaluated: 2025-09-04. Review status: criteria provided, single submitter. Criteria: Ambry Variant Classification Scheme 2023. Collection method: clinical testing. Allele origin: germline.

Labcorp Genetics (formerly Invitae), Labcorp
Classification: Uncertain significance. Last evaluated: 2023-03-13. Review status: criteria provided, single submitter. Criteria: Invitae Variant Classification Sherloc (09022015). Collection method: clinical testing. Allele origin: germline.
Comment: In summary, the available evidence is currently insufficient to determine the role of this variant in disease. Therefore, it has been classified as a Variant of Uncertain Significance. This sequence change replaces serine, which is neutral and polar, with arginine, which is basic and polar, at codon 893 of the ITPR1 protein (p.Ser893Arg). This variant is present in population databases (rs376692603, gnomAD 0.007%). This variant has not been reported in the literature in individuals affected with ITPR1-related conditions. ClinVar contains an entry for this variant (Variation ID: 2053318). Advanced modeling of protein sequence and biophysical properties (such as structural, functional, and spatial information, amino acid conservation, physicochemical variation, residue mobility, and thermodynamic stability) performed at Invitae indicates that this missense variant is not expected to disrupt ITPR1 protein function. Algorithms developed to predict the effect of sequence changes on RNA splicing suggest that this variant may create or strengthen a splice site.